The following is an entry in ClinVar:

ClinVar aggregate classification (germline): Uncertain significance (1 of 4 stars; one submission).

gnomAD v4.1: 8 of 1,613,190 alleles (0.0005%); highest among the groups gnomAD compares: Non-Finnish European, 0.00068%; no homozygotes.

Submission:

Labcorp Genetics (formerly Invitae), Labcorp
Classification: Uncertain significance. Last evaluated: 2022-06-04. Review status: criteria provided, single submitter. Criteria: Invitae Variant Classification Sherloc (09022015). Collection method: clinical testing. Allele origin: germline.
Comment: In summary, the available evidence is currently insufficient to determine the role of this variant in disease. Therefore, it has been classified as a Variant of Uncertain Significance. Algorithms developed to predict the effect of missense changes on protein structure and function are either unavailable or do not agree on the potential impact of this missense change (SIFT: "Deleterious"; PolyPhen-2: "Benign"; Align-GVGD: "Class C0"). This variant has not been reported in the literature in individuals affected with CACNA2D4-related conditions. This variant is not present in population databases (gnomAD no frequency). This sequence change replaces aspartic acid, which is acidic and polar, with glycine, which is neutral and non-polar, at codon 1114 of the CACNA2D4 protein (p.Asp1114Gly).

NM_172364.5(CACNA2D4):c.3341A>G (p.Asp1114Gly)

Gene: CACNA2D4 (calcium voltage-gated channel auxiliary subunit alpha2delta 4; minus strand). Cytogenetic location: 12p13.33.
Variant type: single nucleotide variant.
Coding change: c.3341A>G on transcript NM_172364.5 (MANE Select); coding-DNA position 3341, A replaced by G.
Protein change: p.Asp1114Gly; replaces aspartic acid 1114 with glycine.
Molecular consequence: missense variant.
Genome position (GRCh38, 1-based): chr12:1,793,728, T>C on the plus strand (A>G on the coding strand, the complement: CACNA2D4 is on the minus strand). VCF-style: chr12-1793728-T-C. GRCh37 (hg19) VCF-style: chr12-1902894-T-C.
Other names: short protein forms D1114G.
Identifiers: ClinVar variation 2087880 (VCV002087880.4), dbSNP rs2497673108, ClinGen allele CA383346771.